The following is an entry in ClinVar:

ClinVar aggregate classification (germline): Uncertain significance. Review status: criteria provided, multiple submitters, no conflicts (2 of 4 stars). 4 submissions from 4 submitters: Uncertain significance (4). Last evaluated 2024-03-12.

Conditions:
Cardiovascular phenotype. Identifiers: MedGen CN230736.
Autosomal recessive limb-girdle muscular dystrophy type 2J (LGMDR10). Also called: Limb-girdle muscular dystrophy, type 2J; MUSCULAR DYSTROPHY, LIMB-GIRDLE, AUTOSOMAL RECESSIVE 10. Identifiers: Orphanet 140922, MedGen C1837342, MONDO:0012127, OMIM 608807.
Dilated cardiomyopathy 1G (CMD1G). Identifiers: Orphanet 154, MedGen C1858763, MONDO:0011400, OMIM 604145.
Myopathy, myofibrillar, 9, with early respiratory failure (MFM9). Also called: EDSTROM MYOPATHY; MYOPATHY, PROXIMAL, WITH EARLY RESPIRATORY MUSCLE INVOLVEMENT; Hereditary myopathy with early respiratory failure; Myopathy, distal, with early respiratory failure, autosomal dominant. Identifiers: Orphanet 178464, Orphanet 34521, MedGen C1863599, MONDO:0011362, OMIM 603689.
Hypertrophic cardiomyopathy 9. Also called: Familial hypertrophic cardiomyopathy 9. Identifiers: MedGen C1861065, MONDO:0013412, OMIM 613765.
Early-onset myopathy with fatal cardiomyopathy (CMYO5). Also called: Salih Myopathy; CONGENITAL MYOPATHY 5 WITH CARDIOMYOPATHY. Identifiers: Orphanet 289377, MedGen C2673677, MONDO:0012714, OMIM 611705. Disease mechanism: loss of function.
Tibial muscular dystrophy (TMD). Also called: UDD MYOPATHY; Tibial muscular dystrophy, tardive; Udd Distal Myopathy – Tibial Muscular Dystrophy. Identifiers: Orphanet 609, MedGen C1838244, MONDO:0010870, OMIM 600334.

Allele frequency attached by ClinVar (database versions not stated): gnomAD exomes 0.00003 and 0.00007; TOPMed 0.00003; ExAC 0.00007.
gnomAD v4.1: 16 of 1,599,658 alleles (0.001%); highest among the groups gnomAD compares: Admixed American, 0.028%; no homozygotes.

Submissions (4):

Revvity Omics, Revvity
Classification: Uncertain significance. Last evaluated: 2024-03-12. Review status: criteria provided, single submitter. Criteria: ACMG Guidelines, 2015. Collection method: clinical testing. Allele origin: germline.

Fulgent Genetics
Classification: Uncertain significance for Tibial muscular dystrophy; Myopathy, myofibrillar, 9, with early respiratory failure; Dilated cardiomyopathy 1G; Autosomal recessive limb-girdle muscular dystrophy type 2J; Early-onset myopathy with fatal cardiomyopathy; Hypertrophic cardiomyopathy 9. Last evaluated: 2021-09-20. Review status: criteria provided, single submitter. Criteria: ACMG Guidelines, 2015. Collection method: clinical testing. Allele origin: unknown.

Ambry Genetics
Classification: Uncertain significance for Cardiovascular phenotype. Last evaluated: 2019-09-06. Review status: criteria provided, single submitter. Criteria: Ambry Variant Classification Scheme 2023. Collection method: clinical testing. Allele origin: germline.
Comment: The p.T4498I variant (also known as c.13493C>T), located in coding exon 48 of the TTN gene, results from a C to T substitution at nucleotide position 13493. The threonine at codon 4498 is replaced by isoleucine, an amino acid with similar properties. This amino acid position is not well conserved in available vertebrate species, and isoleucine is the reference amino acid in other vertebrate species. In addition, this alteration is predicted to be tolerated by in silico analysis. Since supporting evidence is limited at this time, the clinical significance of this alteration remains unclear.

Athena Diagnostics
Classification: Uncertain significance. Last evaluated: 2017-01-24. Review status: criteria provided, single submitter. Criteria: Athena Diagnostics Criteria. Collection method: clinical testing. Allele origin: germline.

NM_001267550.2(TTN):c.40688C>T (p.Thr13563Ile)

Gene: TTN (titin; minus strand). Cytogenetic location: 2q31.2.
Variant type: single nucleotide variant.
Coding change: c.40688C>T on transcript NM_001267550.2 (MANE Select); coding-DNA position 40688, C replaced by T.
Protein change: p.Thr13563Ile; replaces threonine 13563 with isoleucine.
Molecular consequence: missense variant.
Genome position (GRCh38, 1-based): chr2:178,640,576, G>A on the plus strand (C>T on the coding strand, the complement: TTN is on the minus strand). VCF-style: chr2-178640576-G-A. GRCh37 (hg19) VCF-style: chr2-179505303-G-A.
Other names: c.40688C>T (LRG_391t1); c.35765C>T, p.Thr11922Ile (NM_001256850.1); c.13493C>T, p.Thr4498Ile (NM_003319.4); c.32984C>T, p.Thr10995Ile (NM_133378.4); c.13868C>T, p.Thr4623Ile (NM_133432.3); c.14069C>T, p.Thr4690Ile (NM_133437.4); short protein forms T13563I, T4623I, T10995I, T11922I, T4498I, T4690I.
Identifiers: ClinVar variation 448793 (VCV000448793.5), dbSNP rs780572853, ClinGen allele CA1996415.